The following is an entry in ClinVar:

NM_003737.4(DCHS1):c.4135T>C (p.Phe1379Leu)

Gene: DCHS1 (dachsous cadherin-related 1; minus strand). Cytogenetic location: 11p15.4.
Variant type: single nucleotide variant.
Coding change: c.4135T>C on transcript NM_003737.4 (MANE Select); coding-DNA position 4135, T replaced by C.
Protein change: p.Phe1379Leu; replaces phenylalanine 1379 with leucine.
Molecular consequence: missense variant.
Genome position (GRCh38, 1-based): chr11:6,630,659, A>G on the plus strand (T>C on the coding strand, the complement: DCHS1 is on the minus strand). VCF-style: chr11-6630659-A-G. GRCh37 (hg19) VCF-style: chr11-6651890-A-G.
Other names: short protein forms F1379L.
Identifiers: ClinVar variation 2327342 (VCV002327342.5), dbSNP rs767083118, ClinGen allele CA5860369.

ClinVar aggregate classification (germline): Uncertain significance. Review status: criteria provided, multiple submitters, no conflicts (2 of 4 stars). 2 submissions from 2 submitters: Uncertain significance (2). Last evaluated 2025-03-05.

Conditions:
Inborn genetic diseases. Identifiers: MedGen C0950123, MeSH D030342.

Allele frequency attached by ClinVar (database versions not stated): gnomAD exomes below 0.00001; gnomAD 0.00003; TOPMed 0.00002.
gnomAD v4.1: 11 of 1,536,424 alleles (0.00072%); highest among the groups gnomAD compares: East Asian, 0.024%; no homozygotes.

Submissions (2):

Labcorp Genetics (formerly Invitae), Labcorp
Classification: Uncertain significance. Last evaluated: 2025-03-05. Review status: criteria provided, single submitter. Criteria: Invitae Variant Classification Sherloc (09022015). Collection method: clinical testing. Allele origin: germline.
Comment: This sequence change replaces phenylalanine, which is neutral and non-polar, with leucine, which is neutral and non-polar, at codon 1379 of the DCHS1 protein (p.Phe1379Leu). This variant is present in population databases (rs767083118, gnomAD 0.07%). This variant has not been reported in the literature in individuals affected with DCHS1-related conditions. ClinVar contains an entry for this variant (Variation ID: 2327342). Invitae Evidence Modeling of protein sequence and biophysical properties (such as structural, functional, and spatial information, amino acid conservation, physicochemical variation, residue mobility, and thermodynamic stability) has been performed for this missense variant. However, the output from this modeling did not meet the statistical confidence thresholds required to predict the impact of this variant on DCHS1 protein function. In summary, the available evidence is currently insufficient to determine the role of this variant in disease. Therefore, it has been classified as a Variant of Uncertain Significance.

Ambry Genetics
Classification: Uncertain significance for Inborn genetic diseases. Last evaluated: 2022-11-18. Review status: criteria provided, single submitter. Criteria: Ambry Variant Classification Scheme 2023. Collection method: clinical testing. Allele origin: germline.